The following is an entry in ClinVar:

NM_130837.3(OPA1):c.449-28A>G

Gene: OPA1 (OPA1 mitochondrial dynamin like GTPase; plus strand). Cytogenetic location: 3q29.
Variant type: single nucleotide variant.
Coding change: c.449-28A>G on transcript NM_130837.3 (MANE Select); 28 bases into the intron before coding-DNA position 449, A replaced by G.
Molecular consequence: intron variant.
Genome position (GRCh38, 1-based): chr3:193,617,150, A>G. VCF-style: chr3-193617150-A-G. GRCh37 (hg19) VCF-style: chr3-193334939-A-G.
Other names: c.77-28A>G (NM_001354664.2); c.76+1380A>G (NM_001354663.2); c.449-28A>G (NM_130834.3, NM_130836.3, NM_015560.3); c.449-634A>G (NM_130835.3, NM_130832.3); c.448+1380A>G (NM_130833.3, NM_130831.3).
Identifiers: ClinVar variation 3052250 (VCV003052250.3), dbSNP rs369732659, ClinGen allele CA2759021.
Genomic context (GRCh38, chr3:193,617,150, plus strand): 5'-TAAACAAGTTAATACTTTAGCCCTTTATAAGAATAGTATCTGACATATTTTCTTAGTTTC[A>G]TACTCTATATGTTTTGATCTTTTCCAGAGAAAATTAGAAAAGCCCTTCCTAGTTCAGAAG-3'

ClinVar aggregate classification (germline): Likely benign. Review status: criteria provided, single submitter (1 of 4 stars). 2 submissions from 2 submitters: Likely benign (1). 1 of the submissions does not count toward it. Last evaluated 2024-09-09.

Conditions:
OPA1-related disorder. Also called: OPA1-related condition; OPA1-related disorders.

Allele frequency attached by ClinVar (database versions not stated): ExAC 0.00014; gnomAD 0.00014; gnomAD exomes 0.00015; TOPMed 0.00018; 1000 Genomes Project 0.00040; 1000 Genomes Project 30x 0.00047; ESP Exome Variant Server 0.00054.
gnomAD v4.1: 201 of 1,332,470 alleles (0.015%); highest among the groups gnomAD compares: Admixed American, 0.02%; no homozygotes.

Submissions (2):

Blueprint Genetics
Classification: Likely benign. Last evaluated: 2024-09-09. Review status: criteria provided, single submitter. Criteria: ACMG Guidelines, 2015. Collection method: clinical testing. Allele origin: germline.

PreventionGenetics, part of Exact Sciences
Classification: Likely benign for OPA1-related condition. Last evaluated: 2023-11-10. Review status: no assertion criteria provided. Collection method: clinical testing. Allele origin: germline. Not counted in ClinVar's aggregate classification.
Comment: This variant is classified as likely benign based on ACMG/AMP sequence variant interpretation guidelines (Richards et al. 2015 PMID: 25741868, with internal and published modifications).